The following is an entry in ClinVar:

NM_001394966.1(NEK10):c.1691G>A (p.Arg564Gln)

Gene: NEK10 (NIMA related kinase 10; minus strand). Cytogenetic location: 3p24.1.
Variant type: single nucleotide variant.
Coding change: c.1691G>A on transcript NM_001394966.1 (MANE Select); coding-DNA position 1691, G replaced by A.
Protein change: p.Arg564Gln; replaces arginine 564 with glutamine.
Molecular consequence: missense variant. On other transcripts: intron variant (1).
Genome position (GRCh38, 1-based): chr3:27,290,669, C>T on the plus strand (G>A on the coding strand, the complement: NEK10 is on the minus strand). VCF-style: chr3-27290669-C-T. GRCh37 (hg19) VCF-style: chr3-27332160-C-T.
Other names: p.Arg564Gln; c.1691G>A, p.Arg564Gln (NM_001394963.1, NM_001394965.1, NM_001394970.1 and 3 more transcripts); c.1604G>A, p.Arg535Gln (NM_001394964.1, NM_001394967.1, NM_001394969.1); c.1626+593G>A (NM_001394968.1); short protein forms R535Q, R564Q.
Identifiers: ClinVar variation 4880039 (VCV004880039.1).
Genomic context (GRCh38, chr3:27,290,669, plus strand): 5'-ACATTTACCTGCTCTTTAATTATTGTTAATTCAGAAACAATATTCCTTACGCTGCTGTCT[C>T]GATCTTTCTTATCCTTTCCAAATGCTGGGTTATGTAAATTGACCTCTTTCATTGCTAAAA-3'
Protein context (NP_001381895.1, residues 554-574): NPAFGKDKKD[Arg564Gln]DSSVRNIVSE

ClinVar aggregate classification (germline): Uncertain significance (1 of 4 stars; one submission).

Conditions:
Ciliary dyskinesia, primary, 44. Also called: CILIARY DYSKINESIA, PRIMARY, 44, WITHOUT SITUS INVERSUS. Identifiers: MedGen C5394063, MONDO:0032914, OMIM 618781.

gnomAD v4.1: 25 of 1,608,306 alleles (0.0016%); highest among the groups gnomAD compares: African/African-American, 0.024%; no homozygotes.

Submission:

Department of Molecular Genetics, Istishari Arab Hospital
Classification: Uncertain significance for Ciliary dyskinesia, primary, 44. Last evaluated: 2026-08-03. Review status: criteria provided, single submitter. Criteria: ACMG Guidelines, 2015. Collection method: clinical testing. Allele origin: germline. Inheritance: Autosomal recessive inheritance. Affected: yes.
Comment: The NEK10 variant c.1691G>A, p.Arg564Gln causes an amino acid change from Arg to Gln at position 564 in exon 19 (out of 36 exons). The variant is observed with very low frequency in the gnomAD v4.1.0 dataset (<0.001), and to the best of our knowledge, it was not previously reported in the literature. It is classified as a variant of uncertain significance according to the recommendations of ACMG/AMP/ClinGen SVI guidelines.